The following is an entry in ClinVar:

ClinVar aggregate classification (germline): Benign/Likely benign. Review status: criteria provided, multiple submitters, no conflicts (2 of 4 stars). 5 submissions from 5 submitters: Benign (1); Likely benign (3). 1 of the submissions does not count toward it. Last evaluated 2026-01-06.

Conditions:
STRA6-related disorder. Also called: STRA6-related condition.
Microphthalmia, syndromic 9. Also called: Matthew-Wood syndrome; ANOPHTHALMIA, CLINICAL, WITH MILD FACIAL DYSMORPHISM AND VARIABLE MALFORMATIONS OF THE LUNG, HEART, AND DIAPHRAGM; ANOPHTHALMIA/MICROPHTHALMIA AND PULMONARY HYPOPLASIA; PULMONARY AGENESIS, MICROPHTHALMIA, AND DIAPHRAGMATIC DEFECT; SPEAR SYNDROME. Identifiers: Orphanet 2470, MedGen C1832661, MONDO:0011010, OMIM 601186.

Allele frequency attached by ClinVar (database versions not stated): 1000 Genomes Project 0.00120; 1000 Genomes Project 30x 0.00141; TOPMed 0.00213; ESP Exome Variant Server 0.00216.
gnomAD v4.1: 904 of 1,613,858 alleles (0.056%); highest among the groups gnomAD compares: African/African-American, 0.53%; 2 homozygotes.

Submissions (5):

Labcorp Genetics (formerly Invitae), Labcorp
Classification: Benign for Microphthalmia, syndromic 9. Last evaluated: 2026-01-06. Review status: criteria provided, single submitter. Criteria: Invitae Variant Classification Sherloc (09022015). Collection method: clinical testing. Allele origin: germline.

Blueprint Genetics
Classification: Likely benign. Last evaluated: 2024-11-27. Review status: criteria provided, single submitter. Criteria: ACMG Guidelines, 2015. Collection method: clinical testing. Allele origin: germline.

Eurofins Ntd Llc (ga)
Classification: Likely benign. Last evaluated: 2018-03-30. Review status: criteria provided, single submitter. Criteria: EGL ClinVar v180209 classification definitions. Collection method: clinical testing. Allele origin: germline. Observed: 1 variant allele, 1 heterozygote.

Breakthrough Genomics
Classification: Likely benign. Review status: criteria provided, single submitter. Criteria: ACMG Guidelines, 2015. Collection method: not provided. Allele origin: germline. Inheritance: Autosomal recessive inheritance. Affected: yes.

PreventionGenetics, part of Exact Sciences
Classification: Likely benign for STRA6-related condition. Last evaluated: 2019-05-01. Review status: no assertion criteria provided. Collection method: clinical testing. Allele origin: germline. Not counted in ClinVar's aggregate classification.
Comment: This variant is classified as likely benign based on ACMG/AMP sequence variant interpretation guidelines (Richards et al. 2015 PMID: 25741868, with internal and published modifications).

NM_022369.4(STRA6):c.1605C>A (p.Leu535=)

Gene: STRA6 (signaling receptor and transporter of retinol STRA6; minus strand). Cytogenetic location: 15q24.1.
Variant type: single nucleotide variant.
Coding change: c.1605C>A on transcript NM_022369.4 (MANE Select); coding-DNA position 1605, C replaced by A.
Protein change: p.Leu535=; no amino-acid change (leucine 535 retained).
Molecular consequence: synonymous variant.
Genome position (GRCh38, 1-based): chr15:74,181,374, G>T on the plus strand (C>A on the coding strand, the complement: STRA6 is on the minus strand). VCF-style: chr15-74181374-G-T. GRCh37 (hg19) VCF-style: chr15-74473715-G-T.
Other names: c.1605C>A, p.Leu535= (NM_001142617.2, NM_001142618.2); c.1578C>A, p.Leu526= (NM_001142619.2); c.1716C>A, p.Leu572= (NM_001199040.2); c.1650C>A, p.Leu550= (NM_001199041.2); c.1722C>A, p.Leu574= (NM_001199042.2).
Identifiers: ClinVar variation 596487 (VCV000596487.18), dbSNP rs141004067, ClinGen allele CA7654507.
Genomic context (GRCh38, chr15:74,181,374, plus strand): 5'-TCTCGGTGGCAGCAGGCTGAGGTCCATCTGGCCAAGGTGGATGGCGTTGTAGAGGGCAGA[G>T]AGGAGCACTCGCCAGGTGGCCACCATGGCACCCACCAGCACATTGAGGGGGAAGAGAAGA-3'
Protein context (NP_071764.3, residues 525-545): GAMVATWRVL[Leu535=]SALYNAIHLG